The following is an entry in ClinVar:

ClinVar aggregate classification (germline): Likely benign. Review status: criteria provided, multiple submitters, no conflicts (2 of 4 stars). 4 submissions from 4 submitters: Likely benign (4). Last evaluated 2025-08-11.

Conditions:
Cardiovascular phenotype. Identifiers: MedGen CN230736.
Brugada syndrome 7 (BRGDA7). Identifiers: Orphanet 130, MedGen C2751088, MONDO:0013146, OMIM 613120.

Allele frequency attached by ClinVar (database versions not stated): gnomAD exomes below 0.00001 and 0.00001; ExAC 0.00001; gnomAD 0.00001; TOPMed 0.00001.
gnomAD v4.1: 8 of 1,614,128 alleles (0.0005%); highest among the groups gnomAD compares: Non-Finnish European, 0.00068%; no homozygotes.

Submissions (4):

Labcorp Genetics (formerly Invitae), Labcorp
Classification: Likely benign for Brugada syndrome 7. Last evaluated: 2025-08-11. Review status: criteria provided, single submitter. Criteria: Invitae Variant Classification Sherloc (09022015). Collection method: clinical testing. Allele origin: germline.

Blueprint Genetics
Classification: Likely benign. Last evaluated: 2020-04-07. Review status: criteria provided, single submitter. Criteria: ACMG Guidelines, 2015. Collection method: clinical testing. Allele origin: germline.

Ambry Genetics
Classification: Likely benign for Cardiovascular phenotype. Last evaluated: 2020-03-23. Review status: criteria provided, single submitter. Criteria: Ambry Variant Classification Scheme 2023. Collection method: clinical testing. Allele origin: germline.

ARUP Laboratories, Molecular Genetics and Genomics, ARUP Laboratories
Classification: Likely benign. Last evaluated: 2018-02-27. Review status: criteria provided, single submitter. Criteria: ARUP Molecular Germline Variant Investigation Process. Collection method: clinical testing. Allele origin: germline.
Comment: The c.6T>C; p.Pro2Pro variant (rs769826959) does not alter the amino acid sequence of the SCN3B protein and computational splice site prediction algorithms do not predict a change in the nearest splice site or creation of a cryptic splice site. This variant has not been reported in association with Brugada syndrome in medical literature or in gene specific variation databases. This variant is listed in the genome Aggregation Database (gnomAD) with an overall population frequency of 0.001% (identified on 3 out of 246,246 chromosomes). Based on the available information, the c.6T>C variant is likely to be benign.

NM_001040151.2(SCN3B):c.6T>C (p.Pro2=)

Gene: SCN3B (sodium voltage-gated channel beta subunit 3; minus strand). Cytogenetic location: 11q24.1.
Variant type: single nucleotide variant.
Coding change: c.6T>C on transcript NM_001040151.2 (MANE Select); coding-DNA position 6, T replaced by C.
Protein change: p.Pro2=; no amino-acid change (proline 2 retained).
Molecular consequence: synonymous variant.
Genome position (GRCh38, 1-based): chr11:123,653,796, A>G on the plus strand (T>C on the coding strand, the complement: SCN3B is on the minus strand). VCF-style: chr11-123653796-A-G. GRCh37 (hg19) VCF-style: chr11-123524504-A-G.
Other names: c.6T>C, p.Pro2= (NM_018400.4).
Identifiers: ClinVar variation 618869 (VCV000618869.19), dbSNP rs769826959, ClinGen allele CA6334110.